The following is an entry in ClinVar:

NM_001555.5(IGSF1):c.667+42C>G

Gene: IGSF1 (immunoglobulin superfamily member 1; minus strand). Cytogenetic location: Xq26.1.
Variant type: single nucleotide variant.
Coding change: c.667+42C>G on transcript NM_001555.5 (MANE Select); 42 bases into the intron after coding-DNA position 667, C replaced by G.
Molecular consequence: intron variant. On other transcripts: missense variant (2).
Genome position (GRCh38, 1-based): chrX:131,285,137, G>C on the plus strand (C>G on the coding strand, the complement: IGSF1 is on the minus strand). VCF-style: chrX-131285137-G-C. GRCh37 (hg19) VCF-style: chrX-130419111-G-C.
Other names: c.709C>G, p.Pro237Ala (NM_001170963.2, NM_205833.4); c.640+42C>G (NM_001170962.2); c.667+42C>G (NM_001170961.2); short protein forms P237A.
Identifiers: ClinVar variation 1206299 (VCV001206299.28), dbSNP rs142822502, ClinGen allele CA10518156.

ClinVar aggregate classification (germline): Likely benign. Review status: criteria provided, single submitter (1 of 4 stars). 4 submissions from 4 submitters: Likely benign (1). 3 of the submissions do not count toward it. Last evaluated 2026-04-01.

Allele frequency attached by ClinVar (database versions not stated): ExAC 0.00072; TOPMed 0.00073; gnomAD 0.00074 and 0.00076; ESP Exome Variant Server 0.00085; gnomAD exomes 0.00103.
gnomAD v4.1: 1,128 of 1,144,262 alleles (0.099%); highest among the groups gnomAD compares: Non-Finnish European, 0.12%; 2 homozygotes.

Submissions (4):

CeGaT Center for Human Genetics Tuebingen
Classification: Likely benign. Last evaluated: 2026-04-01. Review status: criteria provided, single submitter. Criteria: CeGaT Center For Human Genetics Tuebingen Variant Classification Criteria Version 2. Collection method: clinical testing. Allele origin: germline. Affected: yes. Observed: 2 variant alleles.
Comment: IGSF1: BP4, BS1

Clinical Genetics DNA and cytogenetics Diagnostics Lab, Erasmus MC, Erasmus Medical Center
Classification: Likely benign. Review status: no assertion criteria provided. Collection method: clinical testing. Allele origin: germline. Affected: yes. Study: VKGL Data-share Consensus. Not counted in ClinVar's aggregate classification.

Clinical Genetics, Academic Medical Center
Classification: Likely benign. Review status: no assertion criteria provided. Collection method: clinical testing. Allele origin: germline. Affected: yes. Study: VKGL Data-share Consensus. Not counted in ClinVar's aggregate classification.

Laboratory of Diagnostic Genome Analysis, Leiden University Medical Center (LUMC)
Classification: Likely benign. Review status: no assertion criteria provided. Collection method: clinical testing. Allele origin: germline. Affected: yes. Study: VKGL Data-share Consensus. Not counted in ClinVar's aggregate classification.